The following is an entry in ClinVar:

NM_000089.4(COL1A2):c.3209A>C (p.His1070Pro)

Gene: COL1A2 (collagen type I alpha 2 chain; plus strand). Cytogenetic location: 7q21.3.
Variant type: single nucleotide variant.
Coding change: c.3209A>C on transcript NM_000089.4 (MANE Select); coding-DNA position 3209, A replaced by C.
Protein change: p.His1070Pro; replaces histidine 1070 with proline.
Molecular consequence: missense variant.
Genome position (GRCh38, 1-based): chr7:94,427,237, A>C. VCF-style: chr7-94427237-A-C. GRCh37 (hg19) VCF-style: chr7-94056549-A-C.
Other names: short protein forms H1070P.
Identifiers: ClinVar variation 456828 (VCV000456828.38), dbSNP rs767399660, ClinGen allele CA4347701.

ClinVar aggregate classification (germline): Conflicting classifications of pathogenicity. Review status: criteria provided, conflicting classifications (1 of 4 stars). 4 submissions from 4 submitters: Uncertain significance (2); Likely benign (2). Last evaluated 2025-12-11.

Conditions:
Ehlers-Danlos syndrome, classic type, 1 (EDSCL1). Also called: EDS I; Ehlers-Danlos syndrome, type 1; Ehlers-Danlos Syndrome, Classic Type, COL5A1-Related; EHLERS-DANLOS SYNDROME, GRAVIS TYPE; EHLERS-DANLOS SYNDROME, SEVERE CLASSIC TYPE. Identifiers: MedGen C0268335, MONDO:0019567, OMIM 130000.
Osteogenesis imperfecta type I (OI1). Also called: OI, TYPE I; OSTEOGENESIS IMPERFECTA TARDA; OSTEOGENESIS IMPERFECTA WITH BLUE SCLERAE; Osteogenesis imperfecta type 1; Lobstein's Disease; Classic Non-deforming Osteogenesis Imperfecta with Blue Sclerae. Identifiers: Orphanet 216796, Orphanet 666, MedGen C0023931, MONDO:0008146, OMIM 166200. Disease mechanism: loss of function.
Cardiovascular phenotype. Identifiers: MedGen CN230736.

Allele frequency attached by ClinVar (database versions not stated): gnomAD 0.00003 and 0.00004; gnomAD exomes 0.00003 and 0.00007; TOPMed 0.00003; ExAC 0.00015.
gnomAD v4.1: 46 of 1,613,852 alleles (0.0029%); highest among the groups gnomAD compares: Middle Eastern, 0.016%; no homozygotes.

Submissions (4):

Ambry Genetics
Classification: Uncertain significance for Cardiovascular phenotype. Last evaluated: 2025-12-11. Review status: criteria provided, single submitter. Criteria: Ambry Variant Classification Scheme 2023. Collection method: clinical testing. Allele origin: germline.

Labcorp Genetics (formerly Invitae), Labcorp
Classification: Likely benign for Osteogenesis imperfecta type I; Ehlers-Danlos syndrome, classic type, 1. Last evaluated: 2025-11-17. Review status: criteria provided, single submitter. Criteria: Invitae Variant Classification Sherloc (09022015). Collection method: clinical testing. Allele origin: germline.

CeGaT Center for Human Genetics Tuebingen
Classification: Likely benign. Last evaluated: 2023-04-01. Review status: criteria provided, single submitter. Criteria: CeGaT Center For Human Genetics Tuebingen Variant Classification Criteria Version 2. Collection method: clinical testing. Allele origin: germline. Affected: yes. Observed: 1 variant allele.
Comment: COL1A2: BP4

GeneDx
Classification: Uncertain significance. Last evaluated: 2019-07-02. Review status: criteria provided, single submitter. Criteria: GeneDx Variant Classification Process June 2021. Collection method: clinical testing. Allele origin: germline. Affected: yes.
Comment: Has not been previously published as pathogenic or benign to our knowledge; Reported in ClinVar but additional evidence is not available (ClinVar Variant ID# 456828; Landrum et al., 2016); In silico analysis, which includes protein predictors and evolutionary conservation, supports that this variant does not alter protein structure/function; Occurs in the triple helical domain at the X position in the canonical Gly-X-Y repeat. Although this variant may have an effect on normal protein folding and function, missense substitution at the X position is not a common mechanism of disease (Stenson et al., 2014)